The following is an entry in ClinVar:

ClinVar aggregate classification (germline): Uncertain significance (1 of 4 stars; one submission).

Conditions:
VPS13B-related disorder. Also called: VPS13B-related condition.

Submission:

PreventionGenetics, part of Exact Sciences
Classification: Uncertain significance for VPS13B-related condition. Last evaluated: 2025-09-03. Review status: criteria provided, single submitter. Criteria: ACMG Guidelines, 2015. Collection method: clinical testing. Allele origin: germline.
Comment: The VPS13B c.11417C>G variant is predicted to result in the amino acid substitution p.Ser3806Cys. To our knowledge, this variant has not been reported in the literature or in a large population database (gnomAD), indicating this variant is rare. At this time, the clinical significance of this variant is uncertain due to the absence of conclusive functional and genetic evidence.

NM_152564.5(VPS13B):c.11417C>G (p.Ser3806Cys)

Gene: VPS13B (vacuolar protein sorting 13 homolog B; plus strand). Cytogenetic location: 8q22.2.
Variant type: single nucleotide variant.
Coding change: c.11417C>G on transcript NM_152564.5 (MANE Select); coding-DNA position 11417, C replaced by G.
Protein change: p.Ser3806Cys; replaces serine 3806 with cysteine.
Molecular consequence: missense variant.
Genome position (GRCh38, 1-based): chr8:99,870,809, C>G. VCF-style: chr8-99870809-C-G. GRCh37 (hg19) VCF-style: chr8-100883037-C-G.
Other names: c.11492C>G, p.Ser3831Cys (NM_017890.5); short protein forms S3806C, S3831C.
Identifiers: ClinVar variation 4991766 (VCV004991766.1).